The following is an entry in ClinVar:

NM_017780.4(CHD7):c.8682_8683insT (p.Leu2895fs)

Gene: CHD7 (chromodomain helicase DNA binding protein 7; plus strand). Cytogenetic location: 8q12.2.
Variant type: Insertion.
Coding change: c.8682_8683insT on transcript NM_017780.4 (MANE Select); coding-DNA positions 8682 to 8683, T inserted.
Protein change: p.Leu2895fs; shifts the reading frame from leucine 2895.
Molecular consequence: frameshift variant.
Genome position: GRCh38 VCF-style: chr8-60865621-C-CT. GRCh37 (hg19) VCF-style: chr8-61778180-C-CT.
Other names: c.2535_2536insT, p.Leu846fs (NM_001316690.1); short protein forms L846fs, L2895fs.
Identifiers: ClinVar variation 2037 (VCV000002037.4), dbSNP rs1563674576, ClinGen allele CA891842506.

ClinVar aggregate classification (germline): Pathogenic. Review status: criteria provided, single submitter (1 of 4 stars). 2 submissions from 2 submitters: Pathogenic (1). 1 of the submissions does not count toward it. Last evaluated 2023-02-03.

Conditions:
CHARGE syndrome (CHARGE). Also called: Hittner Hirsch Kreh syndrome; Coloboma, heart anomaly, choanal atresia, retardation, genital and ear anomalies; CHARGE association; Hall-Hittner syndrome; CHARGE ASSOCIATION--COLOBOMA, HEART ANOMALY, CHOANAL ATRESIA, RETARDATION, GENITAL AND EAR ANOMALIES. Identifiers: Orphanet 138, MedGen C0265354, MONDO:0008965.

Submissions (2):

Labcorp Genetics (formerly Invitae), Labcorp
Classification: Pathogenic for CHARGE syndrome. Last evaluated: 2023-02-03. Review status: criteria provided, single submitter. Criteria: Invitae Variant Classification Sherloc (09022015). Collection method: clinical testing. Allele origin: germline.
Comment: For these reasons, this variant has been classified as Pathogenic. This variant disrupts a region of the CHD7 protein in which other variant(s) (p.Asp2988Glyfs*2) have been determined to be pathogenic (PMID: 18073582, 31564432). This suggests that this is a clinically significant region of the protein, and that variants that disrupt it are likely to be disease-causing. ClinVar contains an entry for this variant (Variation ID: 2037). This premature translational stop signal has been observed in individual(s) with CHARGE Syndrome (PMID: 17937444). This variant is not present in population databases (gnomAD no frequency). This sequence change creates a premature translational stop signal (p.Leu2895Serfs*46) in the CHD7 gene. While this is not anticipated to result in nonsense mediated decay, it is expected to disrupt the last 103 amino acid(s) of the CHD7 protein.

OMIM
Classification: Pathogenic for CHARGE SYNDROME. Last evaluated: 2007-11-15. Review status: no assertion criteria provided. Collection method: literature only. Allele origin: germline. Not counted in ClinVar's aggregate classification.

Literature cited by the submitters: PubMed 18073582 (cited by Labcorp Genetics (formerly Invitae), Labcorp); PubMed 31564432 (cited by Labcorp Genetics (formerly Invitae), Labcorp); PubMed 17937444 (cited by Labcorp Genetics (formerly Invitae), Labcorp and OMIM).